The following is an entry in ClinVar:

NM_000206.3(IL2RG):c.530G>T (p.Arg177Ile)

Gene: IL2RG (interleukin 2 receptor subunit gamma; minus strand). Cytogenetic location: Xq13.1.
Variant type: single nucleotide variant.
Coding change: c.530G>T on transcript NM_000206.3 (MANE Select); coding-DNA position 530, G replaced by T.
Protein change: p.Arg177Ile; replaces arginine 177 with isoleucine.
Molecular consequence: missense variant.
Genome position (GRCh38, 1-based): chrX:71,110,220, C>A on the plus strand (G>T on the coding strand, the complement: IL2RG is on the minus strand). VCF-style: chrX-71110220-C-A. GRCh37 (hg19) VCF-style: chrX-70330070-C-A.
Other names: short protein forms R177I.
Identifiers: ClinVar variation 1058236 (VCV001058236.9), dbSNP rs2147749719, ClinGen allele CA413496342.
Genomic context (GRCh38, chrX:71,110,220, plus strand): 5'-CAGCTGTGGTCCCAGTCAGTCCGGTACTGCACCAAGTGCTCCAAACAGTGGTTCAAGAAT[C>A]TGTTGTTCCAGTTCAGTTCTAGCTGGGATTCACTCAGTTTGTGAAGTGTTAGGTTCTCTG-3'
Protein context (NP_000197.1, residues 167-187): ESQLELNWNN[Arg177Ile]FLNHCLEHLV

ClinVar aggregate classification (germline): Uncertain significance (1 of 4 stars; one submission).

Conditions:
X-linked severe combined immunodeficiency (SCIDX1). Also called: X-Linked Combined Immunodeficiency Diseases; IMMUNODEFICIENCY 4; SCID, X-LINKED; SEVERE COMBINED IMMUNODEFICIENCY, X-LINKED, T CELL-NEGATIVE, B CELL-POSITIVE, NK CELL-NEGATIVE; T-B+ severe combined immunodeficiency due to gamma chain deficiency. Identifiers: Orphanet 276, MedGen C6022468, MONDO:0010315, OMIM 300400. Disease mechanism: loss of function.

Submission:

Labcorp Genetics (formerly Invitae), Labcorp
Classification: Uncertain significance for X-linked severe combined immunodeficiency. Last evaluated: 2024-02-24. Review status: criteria provided, single submitter. Criteria: Invitae Variant Classification Sherloc (09022015). Collection method: clinical testing. Allele origin: germline.
Comment: This sequence change replaces arginine, which is basic and polar, with isoleucine, which is neutral and non-polar, at codon 177 of the IL2RG protein (p.Arg177Ile). This variant is not present in population databases (gnomAD no frequency). This variant has not been reported in the literature in individuals affected with IL2RG-related conditions. ClinVar contains an entry for this variant (Variation ID: 1058236). Advanced modeling of protein sequence and biophysical properties (such as structural, functional, and spatial information, amino acid conservation, physicochemical variation, residue mobility, and thermodynamic stability) performed at Invitae indicates that this missense variant is not expected to disrupt IL2RG protein function with a negative predictive value of 80%. In summary, the available evidence is currently insufficient to determine the role of this variant in disease. Therefore, it has been classified as a Variant of Uncertain Significance.